The following is an entry in ClinVar:

ClinVar aggregate classification (germline): Conflicting classifications of pathogenicity. Review status: criteria provided, conflicting classifications (1 of 4 stars). 4 submissions from 4 submitters: Likely pathogenic (1); Uncertain significance (1). 2 of the submissions do not count toward it. Last evaluated 2026-01-13.

Conditions:
Mucolipidosis type IV (ML4). Also called: ML IV. Identifiers: Orphanet 578, MedGen C0238286, MONDO:0009653, OMIM 252650.

Allele frequency attached by ClinVar (database versions not stated): TOPMed 0.00001.

Submissions (4):

Women's Health and Genetics/Laboratory Corporation of America, LabCorp
Classification: Uncertain significance. Last evaluated: 2026-01-13. Review status: criteria provided, single submitter. Criteria: LabCorp Variant Classification Summary - May 2015. Collection method: clinical testing. Allele origin: germline.
Comment: Variant summary: MCOLN1 c.1704A>T (p.Gly568Gly) alters a nucleotide located close to a canonical splice site and therefore could affect mRNA splicing, leading to a significantly altered protein sequence. Computational tools predict a significant impact on normal splicing: Three predict the variant abolishes a 5 splicing donor site. Four predict the variant creates a 5 donor site. Three predict the variant creates a 3 acceptor site. At least one publication reports experimental evidence that this variant affects mRNA splicing proportionally (11% of the altered splicing form detected) and results in the deletion of 4 bp at the RNA level and a shift of the reading frame, leading to disruption of the last 14 aa) (Dobrovolny_2006). The variant was absent in 247878 control chromosomes. c.1704A>T has been observed in an individual affected with Mucolipidosis type IV (Dobrovolny_2006). These data do not allow any conclusion about variant significance. The following publication have been ascertained in the context of this evaluation (PMID: 17239335). ClinVar contains an entry for this variant (Variation ID: 208024). Based on the evidence outlined above, the variant was classified as VUS-possibly pathogenic.

Natera, Inc.
Classification: Likely pathogenic for Mucolipidosis type IV. Last evaluated: 2025-04-28. Review status: criteria provided, single submitter. Criteria: Natera Variant Classification Schema (03/2026). Collection method: clinical testing. Allele origin: germline.
Comment: The c.1704A>T variant in MCOLN1 is a synonymous variant that does not alter the encoded amino acid at position 568 (p.G568=). This variant is rare in the general population with a frequency below the threshold expected for the associated phenotype(s). This variant has been observed in one or more individuals affected with the associated recessive disease, as either homozygous or compound heterozygous with a second variant (PMID: 17239335). Functional studies show that this variant may disrupt protein function (PMID: 17239335). Computational prediction algorithms indicate this variant is likely to affect gene or protein function. Given the available evidence, this variant is classified as Likely Pathogenic.

OMIM
Classification: Pathogenic for MUCOLIPIDOSIS IV. Last evaluated: 2007-04-01. Review status: no assertion criteria provided. Collection method: literature only. Allele origin: germline. Not counted in ClinVar's aggregate classification.

GeneReviews
No classification provided. Condition: Mucolipidosis type IV. Review status: no classification provided. Collection method: literature only. Allele origin: germline. Not counted in ClinVar's aggregate classification.
Comment: Near the donor site of intron 13; creates an alternative donor splice site that results in a frameshift.

Literature cited by the submitters: PubMed 17239335 (cited by 4 submitters); NCBI Bookshelf NBK1214 (cited by GeneReviews).

NM_020533.3(MCOLN1):c.1704A>T (p.Gly568=)

Gene: MCOLN1 (mucolipin TRP cation channel 1; plus strand). Cytogenetic location: 19p13.2.
Variant type: single nucleotide variant.
Coding change: c.1704A>T on transcript NM_020533.3 (MANE Select); coding-DNA position 1704, A replaced by T.
Protein change: p.Gly568=; no amino-acid change (glycine 568 retained).
Molecular consequence: synonymous variant.
Genome position (GRCh38, 1-based): chr19:7,533,651, A>T. VCF-style: chr19-7533651-A-T. GRCh37 (hg19) VCF-style: chr19-7598537-A-T.
Other names: 1704A-T.
Identifiers: ClinVar variation 208024 (VCV000208024.9), dbSNP rs751298168, ClinGen allele CA347339.